The following is an entry in ClinVar:

ClinVar aggregate classification (germline): Uncertain significance (1 of 4 stars; one submission).

Submission:

Labcorp Genetics (formerly Invitae), Labcorp
Classification: Uncertain significance. Last evaluated: 2023-09-10. Review status: criteria provided, single submitter. Criteria: Invitae Variant Classification Sherloc (09022015). Collection method: clinical testing. Allele origin: germline.
Comment: This sequence change replaces proline, which is neutral and non-polar, with alanine, which is neutral and non-polar, at codon 420 of the CDC6 protein (p.Pro420Ala). This variant is not present in population databases (gnomAD no frequency). This variant has not been reported in the literature in individuals affected with CDC6-related conditions. An algorithm developed to predict the effect of missense changes on protein structure and function (PolyPhen-2) suggests that this variant is likely to be tolerated. In summary, the available evidence is currently insufficient to determine the role of this variant in disease. Therefore, it has been classified as a Variant of Uncertain Significance.

NM_001254.4(CDC6):c.1258C>G (p.Pro420Ala)

Gene: CDC6 (cell division cycle 6; plus strand). Cytogenetic location: 17q21.2.
Variant type: single nucleotide variant.
Coding change: c.1258C>G on transcript NM_001254.4 (MANE Select); coding-DNA position 1258, C replaced by G.
Protein change: p.Pro420Ala; replaces proline 420 with alanine.
Molecular consequence: missense variant.
Genome position (GRCh38, 1-based): chr17:40,300,836, C>G. VCF-style: chr17-40300836-C-G. GRCh37 (hg19) VCF-style: chr17-38457088-C-G.
Other names: short protein forms P420A.
Identifiers: ClinVar variation 2759817 (VCV002759817.3), dbSNP rs748448453, ClinGen allele CA399334399.